The following is an entry in ClinVar:

ClinVar aggregate classification (germline): Conflicting classifications of pathogenicity. Review status: criteria provided, conflicting classifications (1 of 4 stars). 4 submissions from 4 submitters: Likely pathogenic (2); Uncertain significance (1). 1 of the submissions does not count toward it. Last evaluated 2026-08-21.

Conditions:
Usher syndrome type 2A. Also called: USHER SYNDROME, TYPE IIA; RETINAL DISEASE IN USHER SYNDROME TYPE IIA, MODIFIER OF. Identifiers: Orphanet 231178, Orphanet 886, MedGen C1848634, MONDO:0010169, OMIM 276901.
Retinitis pigmentosa 39 (RP39). Identifiers: Orphanet 791, MedGen C3151138, MONDO:0013436, OMIM 613809.
USH2A-related disorder. Also called: USH2A-related disorders; USH2A-related condition. Identifiers: MedGen CN239332.

Allele frequency attached by ClinVar (database versions not stated): gnomAD exomes below 0.00001 and 0.00001; ExAC 0.00001; gnomAD 0.00001; TOPMed 0.00001.
gnomAD v4.1: 17 of 1,613,174 alleles (0.0011%); highest among the groups gnomAD compares: Non-Finnish European, 0.0014%; no homozygotes.

Submissions (4):

Myriad Genetics, Inc.
Classification: Uncertain significance for USH2A-related disorder. Last evaluated: 2026-08-21. Review status: criteria provided, single submitter. Criteria: Myriad Autosomal Dominant, Autosomal Recessive and X-Linked Classification Criteria (2023). Collection method: clinical testing. Allele origin: unknown.
Comment: NM_206933.2(USH2A):c.1541T>C(I514T) is a missense variant classified as a variant of uncertain significance in the context of USH2A-related disorders. I514T has been observed in cases with relevant disease (PMID: 25649381, 29953849, 33089500). Relevant functional assessments of this variant are not available in the literature. I514T has not been observed in referenced population frequency databases. In summary, there is insufficient evidence to classify NM_206933.2(USH2A):c.1541T>C(I514T) as pathogenic or benign. Please note: this variant was assessed in the context of healthy population screening.

Labcorp Genetics (formerly Invitae), Labcorp
Classification: Likely pathogenic. Last evaluated: 2023-11-27. Review status: criteria provided, single submitter. Criteria: Invitae Variant Classification Sherloc (09022015). Collection method: clinical testing. Allele origin: germline.
Comment: This sequence change replaces isoleucine, which is neutral and non-polar, with threonine, which is neutral and polar, at codon 514 of the USH2A protein (p.Ile514Thr). This variant is not present in population databases (gnomAD no frequency). This missense change has been observed in individual(s) with USH2A-related conditions (PMID: 25649381, 29953849, 33089500; Invitae). ClinVar contains an entry for this variant (Variation ID: 551502). Advanced modeling of protein sequence and biophysical properties (such as structural, functional, and spatial information, amino acid conservation, physicochemical variation, residue mobility, and thermodynamic stability) performed at Invitae indicates that this missense variant is not expected to disrupt USH2A protein function with a negative predictive value of 95%. In summary, the currently available evidence indicates that the variant is pathogenic, but additional data are needed to prove that conclusively. Therefore, this variant has been classified as Likely Pathogenic.

Baylor Genetics
Classification: Likely pathogenic for Retinitis pigmentosa 39. Last evaluated: 2023-09-13. Review status: criteria provided, single submitter. Criteria: ACMG Guidelines, 2015. Collection method: clinical testing. Allele origin: unknown.

Counsyl
Classification: Uncertain significance for Usher syndrome type 2A; Retinitis pigmentosa 39. Last evaluated: 2017-10-10. Review status: flagged submission. Collection method: clinical testing. Allele origin: unknown. Not counted in ClinVar's aggregate classification.
ClinVar note: Reason: Older claim that does not account for recent evidence

Literature cited by the submitters: PubMed 25649381 (cited by 3 submitters); PubMed 29953849 (cited by Myriad Genetics, Inc. and Labcorp Genetics (formerly Invitae), Labcorp); PubMed 33089500 (cited by Myriad Genetics, Inc. and Labcorp Genetics (formerly Invitae), Labcorp).

NM_206933.4(USH2A):c.1541T>C (p.Ile514Thr)

Gene: USH2A (usherin; minus strand). Cytogenetic location: 1q41.
Variant type: single nucleotide variant.
Coding change: c.1541T>C on transcript NM_206933.4 (MANE Select); coding-DNA position 1541, T replaced by C.
Protein change: p.Ile514Thr; replaces isoleucine 514 with threonine.
Molecular consequence: missense variant.
Genome position (GRCh38, 1-based): chr1:216,323,483, A>G on the plus strand (T>C on the coding strand, the complement: USH2A is on the minus strand). VCF-style: chr1-216323483-A-G. GRCh37 (hg19) VCF-style: chr1-216496825-A-G.
Other names: c.1541T>C, p.Ile514Thr (NM_007123.6); short protein forms I514T.
Identifiers: ClinVar variation 551502 (VCV000551502.9), dbSNP rs768813865, ClinGen allele CA1396494.